The following is an entry in ClinVar:

ClinVar aggregate classification (germline): Uncertain significance (1 of 4 stars; one submission).

Conditions:
Cardiovascular phenotype. Identifiers: MedGen CN230736.

Submission:

Ambry Genetics
Classification: Uncertain significance for Cardiovascular phenotype. Last evaluated: 2024-06-07. Review status: criteria provided, single submitter. Criteria: Ambry Variant Classification Scheme 2023. Collection method: clinical testing. Allele origin: germline.
Comment: The p.K362N variant (also known as c.1086A>T), located in coding exon 7 of the ABCG8 gene, results from an A to T substitution at nucleotide position 1086. The lysine at codon 362 is replaced by asparagine, an amino acid with similar properties. This amino acid position is conserved. In addition, this alteration is predicted to be tolerated by in silico analysis. Based on the available evidence, the clinical significance of this variant remains unclear.

NM_022437.3(ABCG8):c.1086A>T (p.Lys362Asn)

Gene: ABCG8 (ATP binding cassette subfamily G member 8; plus strand). Cytogenetic location: 2p21.
Variant type: single nucleotide variant.
Coding change: c.1086A>T on transcript NM_022437.3 (MANE Select); coding-DNA position 1086, A replaced by T.
Protein change: p.Lys362Asn; replaces lysine 362 with asparagine.
Molecular consequence: missense variant.
Genome position (GRCh38, 1-based): chr2:43,872,097, A>T. VCF-style: chr2-43872097-A-T. GRCh37 (hg19) VCF-style: chr2-44099236-A-T.
Other names: c.1086A>T, p.Lys362Asn (NM_001357321.2); short protein forms K362N.
Identifiers: ClinVar variation 3314246 (VCV003314246.1).